The following is an entry in ClinVar:

ClinVar aggregate classification (germline): Uncertain significance (1 of 4 stars; one submission).

Conditions:
Developmental and epileptic encephalopathy, 23 (DEE23). Also called: Epileptic encephalopathy, early infantile, 23. Identifiers: Orphanet 411986, MedGen C4014492, MONDO:0014371, OMIM 615859.

Submission:

Labcorp Genetics (formerly Invitae), Labcorp
Classification: Uncertain significance for Developmental and epileptic encephalopathy, 23. Last evaluated: 2025-06-02. Review status: criteria provided, single submitter. Criteria: Invitae Variant Classification Sherloc (09022015). Collection method: clinical testing. Allele origin: germline.
Comment: This sequence change replaces arginine, which is basic and polar, with proline, which is neutral and non-polar, at codon 1380 of the DOCK7 protein (p.Arg1380Pro). This variant is not present in population databases (gnomAD no frequency). This variant has not been reported in the literature in individuals affected with DOCK7-related conditions. ClinVar contains an entry for this variant (Variation ID: 1010206). Invitae Evidence Modeling of protein sequence and biophysical properties (such as structural, functional, and spatial information, amino acid conservation, physicochemical variation, residue mobility, and thermodynamic stability) indicates that this missense variant is not expected to disrupt DOCK7 protein function with a negative predictive value of 80%. In summary, the available evidence is currently insufficient to determine the role of this variant in disease. Therefore, it has been classified as a Variant of Uncertain Significance.

NM_001367561.1(DOCK7):c.4139G>C (p.Arg1380Pro)

Gene: DOCK7 (dedicator of cytokinesis 7; minus strand). Cytogenetic location: 1p31.3.
Variant type: single nucleotide variant.
Coding change: c.4139G>C on transcript NM_001367561.1 (MANE Select); coding-DNA position 4139, G replaced by C.
Protein change: p.Arg1380Pro; replaces arginine 1380 with proline.
Molecular consequence: missense variant.
Genome position (GRCh38, 1-based): chr1:62,513,587, C>G on the plus strand (G>C on the coding strand, the complement: DOCK7 is on the minus strand). VCF-style: chr1-62513587-C-G. GRCh37 (hg19) VCF-style: chr1-62979258-C-G.
Other names: c.4139G>C, p.Arg1380Pro (NM_001271999.2, NM_001330614.2); c.4046G>C, p.Arg1349Pro (NM_001272000.2, NM_001272001.2, NM_033407.4); short protein forms R1349P, R1380P.
Identifiers: ClinVar variation 1010206 (VCV001010206.9), dbSNP rs368205214, ClinGen allele CA340624614.